The following is an entry in ClinVar:

NM_002354.3(EPCAM):c.787G>A (p.Gly263Ser)

Gene: EPCAM (epithelial cell adhesion molecule; plus strand). Cytogenetic location: 2p21.
Variant type: single nucleotide variant.
Coding change: c.787G>A on transcript NM_002354.3 (MANE Select); coding-DNA position 787, G replaced by A.
Protein change: p.Gly263Ser; replaces glycine 263 with serine.
Molecular consequence: missense variant.
Genome position (GRCh38, 1-based): chr2:47,379,898, G>A. VCF-style: chr2-47379898-G-A. GRCh37 (hg19) VCF-style: chr2-47607037-G-A.
Other names: short protein forms G263S.
Identifiers: ClinVar variation 3509160 (VCV003509160.1).

ClinVar aggregate classification (germline): Uncertain significance (1 of 4 stars; one submission).

Conditions:
Hereditary cancer-predisposing syndrome. Also called: Tumor predisposition; Neoplastic Syndromes, Hereditary; Hereditary Cancer Syndrome; Hereditary neoplastic syndrome. Identifiers: Orphanet 140162, MedGen C0027672, MeSH D009386, MONDO:0015356.

Submission:

Ambry Genetics
Classification: Uncertain significance for Hereditary cancer-predisposing syndrome. Last evaluated: 2024-11-24. Review status: criteria provided, single submitter. Criteria: Ambry Variant Classification Scheme 2023. Collection method: clinical testing. Allele origin: germline.
Comment: The p.G263S variant (also known as c.787G>A), located in coding exon 7 of the EPCAM gene, results from a G to A substitution at nucleotide position 787. The glycine at codon 263 is replaced by serine, an amino acid with similar properties. This amino acid position is conserved. In addition, this alteration is predicted to be tolerated by in silico analysis. Based on the available evidence, the clinical significance of this variant remains unclear.